The following is an entry in ClinVar:

NM_000393.5(COL5A2):c.1167_1181del (p.Gly390_Ala394del)

Gene: COL5A2 (collagen type V alpha 2 chain; minus strand). Cytogenetic location: 2q32.2.
Variant type: Deletion.
Coding change: c.1167_1181del on transcript NM_000393.5 (MANE Select); coding-DNA positions 1167 to 1181, 15 bases deleted (AGGTCCTACAGGGGC).
Protein change: p.Gly390_Ala394del.
Genome position (GRCh38, 1-based): chr2:189,068,862-189,068,876, GCCCCTGTAGGACCT deleted on the plus strand (AGGTCCTACAGGGGC on the coding strand, the reverse complement: COL5A2 is on the minus strand); deleting any 15 consecutive bases within chr2:189,068,862-189,068,878 gives the same sequence; the c. name uses the placement nearest the transcript's 3' end. VCF-style (leftmost placement, unchanged base first): chr2-189068861-CGCCCCTGTAGGACCT-C. GRCh37 (hg19) VCF-style: chr2-189933587-CGCCCCTGTAGGACCT-C.
Other names: p.Gly390_Ala394del.
Identifiers: ClinVar variation 2682808 (VCV002682808.1), dbSNP rs2469314429, ClinGen allele CA2697551472.
Genomic context (GRCh38, chr2:189,068,861, plus strand): 5'-GCCAACTGGACCTGGGGGCCCAGTTTCACCTCTCTGCCCCTGAGGACCTTCAGGGCCTCG[CGCCCCTGTAGGACCT>C]GCTTCTCCCTAAAAGGGTGCAAAGGGAAATGTTAATTTAAGAAAAATACGAGAGTGGCAT-3'

ClinVar aggregate classification (germline): Uncertain significance (1 of 4 stars; one submission).

Submission:

Mayo Clinic Laboratories, Mayo Clinic
Classification: Uncertain significance. Last evaluated: 2023-05-17. Review status: criteria provided, single submitter. Criteria: ACMG Guidelines, 2015. Collection method: clinical testing. Allele origin: germline. Observed: 1 variant allele.
Comment: PM2_supporting, PM4